The following is an entry in ClinVar:

ClinVar aggregate classification (germline): Uncertain significance (1 of 4 stars; one submission).

Conditions:
Hereditary cancer-predisposing syndrome. Also called: Neoplastic Syndromes, Hereditary; Tumor predisposition; Hereditary neoplastic syndrome; Hereditary Cancer Syndrome. Identifiers: Orphanet 140162, MedGen C0027672, MeSH D009386, MONDO:0015356.

Submission:

Ambry Genetics
Classification: Uncertain significance for Hereditary cancer-predisposing syndrome. Last evaluated: 2026-07-13. Review status: criteria provided, single submitter. Criteria: Ambry Variant Classification Scheme 2023. Collection method: clinical testing. Allele origin: germline.
Comment: The c.1863-1G>A intronic variant results from a G to A substitution one nucleotide upstream from coding exon 6 of the MET gene. This nucleotide position is highly conserved in available vertebrate species. In silico splice site analysis predicts that this alteration will weaken the native splice acceptor site. Variants that disrupt the canonical splice site are expected to cause aberrant splicing, resulting in an abnormal protein or a transcript that is subject to nonsense-mediated mRNA decay. However, loss of function has not been established as a mechanism of disease. Based on the available evidence, the clinical significance of this variant remains unclear.

NM_000245.4(MET):c.1863-1G>A

Gene: MET (MET proto-oncogene, receptor tyrosine kinase; plus strand). Cytogenetic location: 7q31.2.
Variant type: single nucleotide variant.
Coding change: c.1863-1G>A on transcript NM_000245.4 (MANE Select); the canonical splice acceptor site of the intron before coding-DNA position 1863, G replaced by A.
Molecular consequence: splice acceptor variant.
Genome position (GRCh38, 1-based): chr7:116,757,436, G>A. VCF-style: chr7-116757436-G-A. GRCh37 (hg19) VCF-style: chr7-116397490-G-A.
Other names: c.1863-1G>A (NM_001127500.3, NM_001324401.3); c.573-1G>A (NM_001324402.2).
Identifiers: ClinVar variation 5024317 (VCV005024317.1).
Genomic context (GRCh38, chr7:116,757,436, plus strand): 5'-ACAACCTAACCAGAAAATTCCTTGGATTTGTCATGTATTAAACTTTGGGTTTTTTTTCCA[G>A]ATTGAAATGCACAGTTGGTCCTGCCATGAATAAGCATTTCAATATGTCCATAATTATTTC-3'